The following is an entry in ClinVar:

ClinVar aggregate classification (germline): Likely benign. Review status: criteria provided, multiple submitters, no conflicts (2 of 4 stars). 3 submissions from 3 submitters: Likely benign (3). Last evaluated 2025-12-19.

Conditions:
Hereditary hemorrhagic telangiectasia (HHT). Also called: Osler hemorrhagic telangiectasia syndrome; ORW DISEASE; Osler Weber Rendu syndrome; OSLER-RENDU-WEBER DISEASE. Identifiers: Orphanet 774, MedGen C0039445, MONDO:0019180. Disease mechanism: loss of function.
Cardiovascular phenotype. Identifiers: MedGen CN230736.

Allele frequency attached by ClinVar (database versions not stated): gnomAD exomes 0.00001.
gnomAD v4.1: 11 of 1,595,010 alleles (0.00069%); highest among the groups gnomAD compares: Non-Finnish European, 0.00085%; no homozygotes.

Submissions (3):

Labcorp Genetics (formerly Invitae), Labcorp
Classification: Likely benign for Hereditary hemorrhagic telangiectasia. Last evaluated: 2025-12-19. Review status: criteria provided, single submitter. Criteria: Invitae Variant Classification Sherloc (09022015). Collection method: clinical testing. Allele origin: germline.

CeGaT Center for Human Genetics Tuebingen
Classification: Likely benign. Last evaluated: 2025-10-01. Review status: criteria provided, single submitter. Criteria: CeGaT Center For Human Genetics Tuebingen Variant Classification Criteria Version 2. Collection method: clinical testing. Allele origin: germline. Affected: yes. Observed: 2 variant alleles.
Comment: ENG: BP4, BP7

Ambry Genetics
Classification: Likely benign for Cardiovascular phenotype. Last evaluated: 2022-09-19. Review status: criteria provided, single submitter. Criteria: Ambry Variant Classification Scheme 2023. Collection method: clinical testing. Allele origin: germline.

NM_001114753.3(ENG):c.663G>A (p.Leu221=)

Gene: ENG (endoglin; minus strand). Cytogenetic location: 9q34.11.
Variant type: single nucleotide variant.
Coding change: c.663G>A on transcript NM_001114753.3 (MANE Select); coding-DNA position 663, G replaced by A.
Protein change: p.Leu221=; no amino-acid change (leucine 221 retained).
Molecular consequence: synonymous variant.
Genome position (GRCh38, 1-based): chr9:127,825,721, C>T on the plus strand (G>A on the coding strand, the complement: ENG is on the minus strand). VCF-style: chr9-127825721-C-T. GRCh37 (hg19) VCF-style: chr9-130588000-C-T.
Other names: c.663G>A, p.Leu221= (NM_000118.4, NM_001406715.1); c.117G>A, p.Leu39= (NM_001278138.2).
Identifiers: ClinVar variation 1112152 (VCV001112152.32), dbSNP rs747788064, ClinGen allele CA5253058.
Genomic context (GRCh38, chr9:127,825,721, plus strand): 5'-GGGACTAGTGTCAGGGGCGGGGCGAGAGCCATACCCGGCCGAGTGGCCCGGCAGGACCCT[C>T]AGGATGTGCGCCTCCTTGTGGCCGGCCACGCCTTCCAAGTGGCAGCCCCGGACCAAGGCT-3'
Protein context (NP_001108225.1, residues 211-231): GVAGHKEAHI[Leu221=]RVLPGHSAGP